The following is an entry in ClinVar:

NM_001358438.1(KLF18):c.2397G>A (p.Thr799=)

Gene: KLF18 (KLF transcription factor 18; minus strand). Cytogenetic location: 1p34.1.
Variant type: single nucleotide variant.
Coding change: c.2397G>A on transcript NM_001358438.1 (MANE Select); coding-DNA position 2397, G replaced by A.
Protein change: p.Thr799=; no amino-acid change (threonine 799 retained).
Molecular consequence: synonymous variant.
Genome position (GRCh38, 1-based): chr1:44,139,235, C>T on the plus strand (G>A on the coding strand, the complement: KLF18 is on the minus strand). VCF-style: chr1-44139235-C-T. GRCh37 (hg19) VCF-style: chr1-44604907-C-T.
Identifiers: ClinVar variation 3067366 (VCV003067366.21), dbSNP rs1046465113, ClinGen allele CA522687913.

ClinVar aggregate classification (germline): Likely benign (1 of 4 stars; one submission).

Submission:

CeGaT Center for Human Genetics Tuebingen
Classification: Likely benign. Last evaluated: 2026-09-01. Review status: criteria provided, single submitter. Criteria: CeGaT Center For Human Genetics Tuebingen Variant Classification Criteria Version 2. Collection method: clinical testing. Allele origin: germline. Affected: yes. Observed: 3 variant alleles.
Comment: KLF18: BP4, BP7